The following is an entry in ClinVar:

ClinVar aggregate classification (germline): Uncertain significance (1 of 4 stars; one submission).

Conditions:
Rauch-Steindl syndrome (RAUST). Identifiers: Orphanet 659642, MedGen C5562061, MONDO:0859219, OMIM 619695.

Submission:

Victorian Clinical Genetics Services, Murdoch Childrens Research Institute
Classification: Uncertain significance for Rauch-Steindl syndrome. Last evaluated: 2023-07-17. Review status: criteria provided, single submitter. Criteria: ACMG Guidelines, 2015. Collection method: clinical testing. Allele origin: germline. Inheritance: Autosomal dominant inheritance. Affected: yes.
Comment: Based on the classification scheme VCGS_Germline_v1.3.4, this variant is classified as VUS-3B. Following criteria are met: 0103 - Loss of function and gain of function are known mechanisms of disease in this gene and are associated with Rauch-Steindl syndrome (MIM#619695) and a neurodevelopmental disorder, NSD2-related (MONDO:0700092), respectively. A single recurring missense variant with a gain of function mechanism has been reported to cause a more severe neurodevelopmental disorder, whereas loss of function missense variants and those resulting in a premature termination codon have been reported to cause Rauch-Steindl syndrome (PMID: 36189577, PMID: 33941880). (I) 0107 - This gene is associated with autosomal dominant disease. (I) 0200 - Variant is predicted to result in a missense amino acid change from aspartic acid to valine. (I) 0251 - This variant is heterozygous. (I) 0301 - Variant is absent from gnomAD (both v2 and v3). (SP) 0309 - Multiple alternative amino acid changes at the same position have been observed in gnomAD (v2, v3) (highest allele count: 7 heterozygotes, 1 homozygote). (I) 0501 - Missense variant consistently predicted to be damaging by multiple in silico tools or highly conserved with a major amino acid change. (SP) 0600 - Variant is located in the annotated HMG (high mobility group) box (DECIPHER). (I) 0705 - No comparable missense variants have previous evidence for pathogenicity. (I) 0807 - This variant has no previous evidence of pathogenicity. (I) 0905 - No published segregation evidence has been identified for this variant. (I) 1007 - No published functional evidence has been identified for this variant. (I) 1208 - Inheritance information for this variant is not currently available in this individual. (I) Legend: (SP) - Supporting pathogenic, (I) - Information, (SB) - Supporting benign

Literature cited by the submitters: PubMed 33941880; PubMed 36189577.

NM_001042424.3(NSD2):c.1406A>T (p.Asp469Val)

Gene: NSD2 (nuclear receptor binding SET domain protein 2; plus strand). Cytogenetic location: 4p16.3.
Variant type: single nucleotide variant.
Coding change: c.1406A>T on transcript NM_001042424.3 (MANE Select); coding-DNA position 1406, A replaced by T.
Protein change: p.Asp469Val; replaces aspartic acid 469 with valine.
Molecular consequence: missense variant.
Genome position (GRCh38, 1-based): chr4:1,918,619, A>T. VCF-style: chr4-1918619-A-T. GRCh37 (hg19) VCF-style: chr4-1920346-A-T.
Other names: c.1406A>T, p.Asp469Val (NM_007331.2, NM_133330.3, NM_133331.3 and 2 more transcripts); short protein forms D469V.
Identifiers: ClinVar variation 3254834 (VCV003254834.1), dbSNP rs2474343899.